The following is an entry in ClinVar:

ClinVar aggregate classification (germline): Uncertain significance (1 of 4 stars; one submission).

Submission:

Labcorp Genetics (formerly Invitae), Labcorp
Classification: Uncertain significance. Last evaluated: 2023-07-22. Review status: criteria provided, single submitter. Criteria: Invitae Variant Classification Sherloc (09022015). Collection method: clinical testing. Allele origin: germline.
Comment: In summary, the available evidence is currently insufficient to determine the role of this variant in disease. Therefore, it has been classified as a Variant of Uncertain Significance. This sequence change replaces asparagine, which is neutral and polar, with serine, which is neutral and polar, at codon 878 of the RIN2 protein (p.Asn878Ser). This variant is not present in population databases (gnomAD no frequency). This variant has not been reported in the literature in individuals affected with RIN2-related conditions. Algorithms developed to predict the effect of missense changes on protein structure and function output the following: SIFT: "Not Available"; PolyPhen-2: "Not Available"; Align-GVGD: "Not Available". The serine amino acid residue is found in multiple mammalian species, which suggests that this missense change does not adversely affect protein function.

NM_018993.4(RIN2):c.2633A>G (p.Asn878Ser)

Gene: RIN2 (Ras and Rab interactor 2; plus strand). Cytogenetic location: 20p11.23.
Variant type: single nucleotide variant.
Coding change: c.2633A>G on transcript NM_018993.4 (MANE Select); coding-DNA position 2633, A replaced by G.
Protein change: p.Asn878Ser; replaces asparagine 878 with serine.
Molecular consequence: missense variant.
Genome position (GRCh38, 1-based): chr20:20,000,881, A>G. VCF-style: chr20-20000881-A-G. GRCh37 (hg19) VCF-style: chr20-19981525-A-G.
Other names: c.2780A>G, p.Asn927Ser (NM_001242581.2); c.2015A>G, p.Asn672Ser (NM_001378238.1); short protein forms N878S, N672S, N927S.
Identifiers: ClinVar variation 2730247 (VCV002730247.3), dbSNP rs2515659843, ClinGen allele CA408367980.